The following is an entry in ClinVar:

ClinVar aggregate classification (germline): Benign. Review status: criteria provided, multiple submitters, no conflicts (2 of 4 stars). 3 submissions from 3 submitters: Benign (3). Last evaluated 2026-01-28.

Conditions:
Macular corneal dystrophy (MCD). Also called: GROENOUW TYPE II CORNEAL DYSTROPHY; Macular corneal dystrophy Type I. Identifiers: Orphanet 98969, MedGen C1636149, MONDO:0009020, OMIM 217800.

Allele frequency attached by ClinVar (database versions not stated): gnomAD exomes 0.00197 and 0.00501; ExAC 0.00543; gnomAD 0.01268 and 0.01353; 1000 Genomes Project 0.01358; ESP Exome Variant Server 0.01401; TOPMed 0.01498; 1000 Genomes Project 30x 0.01515.

Submissions (3):

Labcorp Genetics (formerly Invitae), Labcorp
Classification: Benign for Macular corneal dystrophy. Last evaluated: 2026-01-28. Review status: criteria provided, single submitter. Criteria: Invitae Variant Classification Sherloc (09022015). Collection method: clinical testing. Allele origin: germline.

Illumina Laboratory Services, Illumina
Classification: Benign for Macular corneal dystrophy. Last evaluated: 2018-01-13. Review status: criteria provided, single submitter. Criteria: ICSL Variant Classification Criteria 13 December 2019. Collection method: clinical testing. Allele origin: germline.
Comment: This variant was observed in the ICSL laboratory as part of a predisposition screen in an ostensibly healthy population. It had not been previously curated by ICSL or reported in the Human Gene Mutation Database (HGMD: prior to June 1st, 2018), and was therefore a candidate for classification through an automated scoring system. Utilizing variant allele frequency, disease prevalence and penetrance estimates, and inheritance mode, an automated score was calculated to assess if this variant is too frequent to cause the disease. Based on the score and internal cut-off values, a variant classified as benign is not then subjected to further curation. The score for this variant resulted in a classification of benign for this disease.

Breakthrough Genomics
Classification: Benign. Review status: criteria provided, single submitter. Criteria: ACMG Guidelines, 2015. Collection method: not provided. Allele origin: germline. Inheritance: Autosomal recessive inheritance. Affected: yes.

NM_021615.5(CHST6):c.258A>C (p.Ala86=)

Gene: CHST6 (carbohydrate sulfotransferase 6; minus strand). Cytogenetic location: 16q23.1.
Variant type: single nucleotide variant.
Coding change: c.258A>C on transcript NM_021615.5 (MANE Select); coding-DNA position 258, A replaced by C.
Protein change: p.Ala86=; no amino-acid change (alanine 86 retained).
Molecular consequence: synonymous variant.
Genome position (GRCh38, 1-based): chr16:75,479,571, T>G on the plus strand (A>C on the coding strand, the complement: CHST6 is on the minus strand). VCF-style: chr16-75479571-T-G. GRCh37 (hg19) VCF-style: chr16-75513469-T-G.
Identifiers: ClinVar variation 320613 (VCV000320613.16), dbSNP rs61740901, ClinGen allele CA8175547.
Genomic context (GRCh38, chr16:75,479,571, plus strand): 5'-CACGTCCATGTCGCACAGGAAGACGGAGCGCACCAGGTCGCGCACAGCCATGTGCAGCGT[T>G]GCGGCGCTGCCCTGCGACAGGGTGGTCCACACGTGCCACGCGGGCTCCATTAGGTAGAAG-3'
Protein context (NP_067628.1, residues 76-96): VWTTLSQGSA[Ala86=]TLHMAVRDLV